The following is an entry in ClinVar:

NM_003000.3(SDHB):c.820A>G (p.Lys274Glu)

Gene: SDHB (succinate dehydrogenase complex iron sulfur subunit B; minus strand). Cytogenetic location: 1p36.13.
Variant type: single nucleotide variant.
Coding change: c.820A>G on transcript NM_003000.3 (MANE Select); coding-DNA position 820, A replaced by G.
Protein change: p.Lys274Glu; replaces lysine 274 with glutamic acid.
Molecular consequence: missense variant.
Genome position (GRCh38, 1-based): chr1:17,018,904, T>C on the plus strand (A>G on the coding strand, the complement: SDHB is on the minus strand). VCF-style: chr1-17018904-T-C. GRCh37 (hg19) VCF-style: chr1-17345399-T-C.
Other names: short protein forms K274E.
Identifiers: ClinVar variation 459174 (VCV000459174.17), dbSNP rs1273897502, ClinGen allele CA338268787.

ClinVar aggregate classification (germline): Uncertain significance. Review status: criteria provided, multiple submitters, no conflicts (2 of 4 stars). 5 submissions from 5 submitters: Uncertain significance (5). Last evaluated 2024-09-18.

Conditions:
Gastrointestinal stromal tumor. Also called: Gastrointestinal stroma tumor; Gastrointestinal stromal tumor, somatic. Identifiers: Orphanet 44890, MedGen C0238198, MeSH D046152, MONDO:0011719, OMIM 606764, HP:0100723.
Hereditary pheochromocytoma and paraganglioma. Also called: Hereditary Paraganglioma-Pheochromocytoma Syndromes; Hereditary paragangliomas and pheochromocytomas; Hereditary pheochromocytoma-paraganglioma. Identifiers: Orphanet 29072, MedGen C4274332, MONDO:0017366.
Pheochromocytoma. Also called: MAX-Related Hereditary Paraganglioma-Pheochromocytoma Syndrome. Identifiers: Orphanet 29072, MedGen C0031511, MONDO:0008233, OMIM 171300, HP:0002666.
Pheochromocytoma/paraganglioma syndrome 4. Also called: SDHB-Related Hereditary Paraganglioma-Pheochromocytoma Syndrome (Paragangliomas 4); CAROTID BODY TUMORS AND MULTIPLE EXTRAADRENAL PHEOCHROMOCYTOMAS; PARAGANGLIOMA, FAMILIAL MALIGNANT; PARAGANGLIOMAS, HEREDITARY EXTRAADRENAL; SDHB-Related Hereditary Paraganglioma-Pheochromocytoma Syndrome; PHEOCHROMOCYTOMA, FAMILIAL EXTRAADRENAL. Identifiers: Orphanet 29072, MedGen C1861848, MONDO:0007273, OMIM 115310.
Hereditary cancer-predisposing syndrome. Also called: Tumor predisposition; Hereditary neoplastic syndrome; Neoplastic Syndromes, Hereditary; Hereditary Cancer Syndrome. Identifiers: Orphanet 140162, MedGen C0027672, MeSH D009386, MONDO:0015356.

Allele frequency attached by ClinVar (database versions not stated): TOPMed 0.00001; gnomAD 0.00002.
gnomAD v4.1: 4 of 1,612,746 alleles (0.00025%); highest among the groups gnomAD compares: African/African-American, 0.004%; no homozygotes.

Submissions (5):

Labcorp Genetics (formerly Invitae), Labcorp
Classification: Uncertain significance for Gastrointestinal stromal tumor; Pheochromocytoma/paraganglioma syndrome 4; Pheochromocytoma. Last evaluated: 2024-09-18. Review status: criteria provided, single submitter. Criteria: Invitae Variant Classification Sherloc (09022015). Collection method: clinical testing. Allele origin: germline.
Comment: This sequence change replaces lysine, which is basic and polar, with glutamic acid, which is acidic and polar, at codon 274 of the SDHB protein (p.Lys274Glu). This variant is not present in population databases (gnomAD no frequency). This variant has not been reported in the literature in individuals affected with SDHB-related conditions. ClinVar contains an entry for this variant (Variation ID: 459174). Invitae Evidence Modeling of protein sequence and biophysical properties (such as structural, functional, and spatial information, amino acid conservation, physicochemical variation, residue mobility, and thermodynamic stability) indicates that this missense variant is not expected to disrupt SDHB protein function with a negative predictive value of 95%. In summary, the available evidence is currently insufficient to determine the role of this variant in disease. Therefore, it has been classified as a Variant of Uncertain Significance.

Ambry Genetics
Classification: Uncertain significance for Hereditary cancer-predisposing syndrome. Last evaluated: 2024-04-18. Review status: criteria provided, single submitter. Criteria: Ambry Variant Classification Scheme 2023. Collection method: clinical testing. Allele origin: germline.
Comment: The p.K274E variant (also known as c.820A>G), located in coding exon 8 of the SDHB gene, results from an A to G substitution at nucleotide position 820. The lysine at codon 274 is replaced by glutamic acid, an amino acid with similar properties. This amino acid position is well conserved in available vertebrate species. In addition, this alteration is predicted to be deleterious by in silico analysis. Based on the available evidence, the clinical significance of this variant remains unclear.

All of Us Research Program, National Institutes of Health
Classification: Uncertain significance for Hereditary pheochromocytoma and paraganglioma. Last evaluated: 2023-12-13. Review status: criteria provided, single submitter. Criteria: ACMG Guidelines, 2015. Collection method: clinical testing. Allele origin: germline. Inheritance: Autosomal dominant inheritance. Observed: 2 variant alleles, 2 heterozygotes.
Comment: This missense variant replaces lysine with glutamic acid at codon 274 of the SDHB protein. Computational prediction is inconclusive regarding the impact of this variant on protein structure and function (internally defined REVEL score threshold 0.5 < inconclusive < 0.7, PMID: 27666373). To our knowledge, functional studies have not been reported for this variant. This variant has not been reported in individuals affected with SDHB-related disorders in the literature. This variant has not been identified in the general population by the Genome Aggregation Database (gnomAD). The available evidence is insufficient to determine the role of this variant in disease conclusively. Therefore, this variant is classified as a Variant of Uncertain Significance.

This study involves interpretation of variants in research participants for the purpose of population health screening. Participant phenotype was not available at the time of variant classification. Additional details can be found in publication PMID: 35346344, PMCID: PMC8962531

Baylor Genetics
Classification: Uncertain significance for Gastrointestinal stromal tumor. Last evaluated: 2023-10-06. Review status: criteria provided, single submitter. Criteria: ACMG Guidelines, 2015. Collection method: clinical testing. Allele origin: unknown.

GeneDx
Classification: Uncertain significance. Last evaluated: 2020-02-19. Review status: criteria provided, single submitter. Criteria: GeneDx Variant Classification Process June 2021. Collection method: clinical testing. Allele origin: germline. Affected: yes.
Comment: Not observed in large population cohorts (Lek 2016); In silico analysis supports that this missense variant does not alter protein structure/function; Has not been previously published as pathogenic or benign to our knowledge; Also known as p.K246E